The following is an entry in ClinVar:

NM_018062.4(FANCL):c.574G>T (p.Ala192Ser)

Gene: FANCL (FA complementation group L; minus strand). Cytogenetic location: 2p16.1.
Variant type: single nucleotide variant.
Coding change: c.574G>T on transcript NM_018062.4 (MANE Select); coding-DNA position 574, G replaced by T.
Protein change: p.Ala192Ser; replaces alanine 192 with serine.
Molecular consequence: missense variant. On other transcripts: non-coding transcript variant (2).
Genome position (GRCh38, 1-based): chr2:58,165,841, C>A on the plus strand (G>T on the coding strand, the complement: FANCL is on the minus strand). VCF-style: chr2-58165841-C-A. GRCh37 (hg19) VCF-style: chr2-58392976-C-A.
Other names: c.589G>T, p.Ala197Ser (NM_001114636.2); c.619G>T, p.Ala207Ser (NM_001374615.1); c.634G>T, p.Ala212Ser (NM_001410792.1); short protein forms A192S, A207S, A197S, A212S.
Identifiers: ClinVar variation 3669548 (VCV003669548.2).

ClinVar aggregate classification (germline): Uncertain significance (1 of 4 stars; one submission).

Conditions:
Fanconi anemia (FA). Also called: Fanconi's anemia. Identifiers: Orphanet 84, MedGen C0015625, MeSH D005199, MONDO:0019391.

gnomAD v4.1: 1 of 1,613,878 alleles (0.000062%); highest among the groups gnomAD compares: Admixed American, 0.0017%; no homozygotes.

Submission:

Labcorp Genetics (formerly Invitae), Labcorp
Classification: Uncertain significance for Fanconi anemia. Last evaluated: 2024-03-25. Review status: criteria provided, single submitter. Criteria: Invitae Variant Classification Sherloc (09022015). Collection method: clinical testing. Allele origin: germline.
Comment: This sequence change replaces alanine, which is neutral and non-polar, with serine, which is neutral and polar, at codon 192 of the FANCL protein (p.Ala192Ser). This variant is not present in population databases (gnomAD no frequency). This variant has not been reported in the literature in individuals affected with FANCL-related conditions. Advanced modeling of protein sequence and biophysical properties (such as structural, functional, and spatial information, amino acid conservation, physicochemical variation, residue mobility, and thermodynamic stability) performed at Invitae indicates that this missense variant is not expected to disrupt FANCL protein function with a negative predictive value of 80%. In summary, the available evidence is currently insufficient to determine the role of this variant in disease. Therefore, it has been classified as a Variant of Uncertain Significance.